The following is an entry in ClinVar:

NM_001001331.4(ATP2B2):c.1829G>C (p.Ser610Thr)

Gene: ATP2B2 (ATPase plasma membrane Ca2+ transporting 2; minus strand). Cytogenetic location: 3p25.3.
Variant type: single nucleotide variant.
Coding change: c.1829G>C on transcript NM_001001331.4 (MANE Select); coding-DNA position 1829, G replaced by C.
Protein change: p.Ser610Thr; replaces serine 610 with threonine.
Molecular consequence: missense variant.
Genome position (GRCh38, 1-based): chr3:10,359,954, C>G on the plus strand (G>C on the coding strand, the complement: ATP2B2 is on the minus strand). VCF-style: chr3-10359954-C-G. GRCh37 (hg19) VCF-style: chr3-10401638-C-G.
Other names: c.1694G>C, p.Ser565Thr (NM_001330611.3, NM_001353564.1, NM_001363862.1 and 1 more transcripts); short protein forms S565T, S610T.
Identifiers: ClinVar variation 2576075 (VCV002576075.2), dbSNP rs1440719706, ClinGen allele CA351781299.

ClinVar aggregate classification (germline): Uncertain significance (1 of 4 stars; one submission).

Conditions:
Hearing loss, autosomal dominant 82. Also called: Deafness, autosomal dominant 82. Identifiers: MedGen C5676948, MONDO:0030719, OMIM 619804.

Submission:

Institute for Clinical Genetics, University Hospital TU Dresden, University Hospital TU Dresden
Classification: Uncertain significance for Hearing loss, autosomal dominant 82. Last evaluated: 2023-04-11. Review status: criteria provided, single submitter. Criteria: ACMG Guidelines, 2015. Collection method: clinical testing. Allele origin: germline. Affected: yes.
Comment: The above-mentioned variant in the ATP2B2 gene (NM_001001331.4:c.1829G>C, p.(Ser610Thr)) is a missense change that leads to an amino acid exchange at position 610 in the corresponding protein by a base exchange at position 1829 of the cDNA. This variant was not detected in the ClinVar database in diseased individuals nor in the gnomAD database in healthy individuals. A bioinformatic prediction algorithm (REVEL) cannot unambiguously estimate the variant for effects on protein function. The gene empirically shows increased sensitivity to missense variants (Z-score 4.55). According to current ACMG recommendations for variant assessment (PMID 25741868), PM2_SUP and PP2 criteria are met, resulting in an assessment as a variant of unclear significance (ACMG class 3).